The following is an entry in ClinVar:

ClinVar aggregate classification (germline): Uncertain significance (1 of 4 stars; one submission).

Submission:

GeneDx
Classification: Uncertain significance. Last evaluated: 2023-06-21. Review status: criteria provided, single submitter. Criteria: GeneDx Variant Classification Process June 2021. Collection method: clinical testing. Allele origin: germline. Affected: yes.
Comment: Not observed at significant frequency in large population cohorts (gnomAD); In silico analysis supports that this missense variant has a deleterious effect on protein structure/function; Has not been previously published as pathogenic or benign to our knowledge

NM_001110556.2(FLNA):c.6134G>C (p.Gly2045Ala)

Gene: FLNA (filamin A; minus strand). Cytogenetic location: Xq28.
Variant type: single nucleotide variant.
Coding change: c.6134G>C on transcript NM_001110556.2 (MANE Select); coding-DNA position 6134, G replaced by C.
Protein change: p.Gly2045Ala; replaces glycine 2045 with alanine.
Molecular consequence: missense variant.
Genome position (GRCh38, 1-based): chrX:154,353,093, C>G on the plus strand (G>C on the coding strand, the complement: FLNA is on the minus strand). VCF-style: chrX-154353093-C-G. GRCh37 (hg19) VCF-style: chrX-153581461-C-G.
Other names: c.6110G>C, p.Gly2037Ala (NM_001456.4); short protein forms G2037A, G2045A.
Identifiers: ClinVar variation 3362208 (VCV003362208.1).